The following is an entry in ClinVar:

ClinVar aggregate classification (germline): Uncertain significance. Review status: criteria provided, multiple submitters, no conflicts (2 of 4 stars). 3 submissions from 3 submitters: Uncertain significance (3). Last evaluated 2023-12-04.

Conditions:
Hereditary cancer-predisposing syndrome. Also called: Neoplastic Syndromes, Hereditary; Tumor predisposition; Hereditary Cancer Syndrome; Hereditary neoplastic syndrome. Identifiers: Orphanet 140162, MedGen C0027672, MeSH D009386, MONDO:0015356.

Submissions (3):

Ambry Genetics
Classification: Uncertain significance for Hereditary cancer-predisposing syndrome. Last evaluated: 2023-12-04. Review status: criteria provided, single submitter. Criteria: Ambry Variant Classification Scheme 2023. Collection method: clinical testing. Allele origin: germline.
Comment: The c.2548_2549delTCinsCT variant (also known as p.S850L), located in coding exon 16 of the CDH1 gene, results from an in-frame deletion of TC and insertion of CT at nucleotide positions 2548 to 2549. This results in the substitution of the serine residue for a leucine residue at codon 850, an amino acid with dissimilar properties. This amino acid position is highly conserved in available vertebrate species. In addition, the in silico prediction for this alteration is inconclusive (Choi Y et al. PLoS ONE. 2012; 7(10):e46688). Since supporting evidence is limited at this time, the clinical significance of this alteration remains unclear.

Color Diagnostics, LLC DBA Color Health
Classification: Uncertain significance for Hereditary cancer-predisposing syndrome. Last evaluated: 2023-12-04. Review status: criteria provided, single submitter. Criteria: ACMG Guidelines, 2015. Collection method: clinical testing. Allele origin: germline.
Comment: This missense variant replaces serine with leucine at codon 850 of the CDH1 protein. To our knowledge, functional studies have not been reported for this variant. This variant has not been reported in individuals affected with CDH1-related disorders in the literature. This variant has not been identified in the general population by the Genome Aggregation Database (gnomAD). The available evidence is insufficient to determine the role of this variant in disease conclusively. Therefore, this variant is classified as a Variant of Uncertain Significance.

GeneDx
Classification: Uncertain significance. Last evaluated: 2019-07-18. Review status: criteria provided, single submitter. Criteria: GeneDx Variant Classification Process June 2021. Collection method: clinical testing. Allele origin: germline. Affected: yes.
Comment: Not observed in large population cohorts (Lek 2016); In silico analysis, which includes protein predictors and evolutionary conservation, supports a deleterious effect; Has not been previously published as pathogenic or benign to our knowledge

NM_004360.5(CDH1):c.2548_2549delinsCT (p.Ser850Leu)

Gene: CDH1 (cadherin 1; plus strand). Cytogenetic location: 16q22.1.
Variant type: Indel.
Coding change: c.2548_2549delinsCT on transcript NM_004360.5 (MANE Select); coding-DNA positions 2548 to 2549, TC replaced by CT.
Protein change: p.Ser850Leu; replaces serine 850 with leucine.
Molecular consequence: missense variant.
Genome position (GRCh38, 1-based): chr16:68,833,398-68,833,399, TC replaced by CT. VCF-style: chr16-68833398-TC-CT. GRCh37 (hg19) VCF-style: chr16-68867301-TC-CT.
Other names: c.2365_2366delinsCT, p.Ser789Leu (NM_001317184.2); c.1000_1001delinsCT, p.Ser334Leu (NM_001317185.2); c.583_584delinsCT, p.Ser195Leu (NM_001317186.2); c.2548_2549delTCinsCT (NM_004360.3); short protein forms S195L, S334L, S789L, S850L.
Identifiers: ClinVar variation 919507 (VCV000919507.7), dbSNP rs1961540099, ClinGen allele CA913188737.